The following is an entry in ClinVar:

ClinVar aggregate classification (germline): Uncertain significance (1 of 4 stars; one submission).

Allele frequency attached by ClinVar (database versions not stated): gnomAD exomes below 0.00001; ExAC 0.00001.
gnomAD v4.1: 4 of 1,211,140 alleles (0.00033%); highest among the groups gnomAD compares: South Asian, 0.0018%; no homozygotes.

Submission:

Labcorp Genetics (formerly Invitae), Labcorp
Classification: Uncertain significance. Last evaluated: 2021-06-03. Review status: criteria provided, single submitter. Criteria: Invitae Variant Classification Sherloc (09022015). Collection method: clinical testing. Allele origin: germline.
Comment: This sequence change replaces threonine with alanine at codon 141 of the CHM protein (p.Thr141Ala). The threonine residue is weakly conserved and there is a small physicochemical difference between threonine and alanine. This variant is present in population databases (rs766636159, ExAC 0.01%). This variant has not been reported in the literature in individuals with CHM-related conditions. Algorithms developed to predict the effect of missense changes on protein structure and function (SIFT, PolyPhen-2, Align-GVGD) all suggest that this variant is likely to be tolerated, but these predictions have not been confirmed by published functional studies and their clinical significance is uncertain. In summary, the available evidence is currently insufficient to determine the role of this variant in disease. Therefore, it has been classified as a Variant of Uncertain Significance.

NM_000390.4(CHM):c.421A>G (p.Thr141Ala)

Genes: CHM (CHM Rab escort protein; minus strand), LOC129391306 (MPRA-validated peak7401 silencer; plus strand). Cytogenetic location: Xq21.2.
Variant type: single nucleotide variant.
Coding change: c.421A>G on transcript NM_000390.4 (MANE Select); coding-DNA position 421, A replaced by G.
Protein change: p.Thr141Ala; replaces threonine 141 with alanine.
Molecular consequence: missense variant. On other transcripts: 5 prime UTR variant (4).
Genome position (GRCh38, 1-based): chrX:85,963,946, T>C on the plus strand (A>G on the coding strand, the complement: CHM is on the minus strand). VCF-style: chrX-85963946-T-C. GRCh37 (hg19) VCF-style: chrX-85218951-T-C.
Other names: c.-24A>G (NM_001320959.1, NM_001362517.1, NM_001362518.2 and 1 more transcripts); short protein forms T141A.
Identifiers: ClinVar variation 2146729 (VCV002146729.1), dbSNP rs766636159, ClinGen allele CA10465580.